The following is an entry in ClinVar:

NM_152713.5(STT3A):c.1568T>C (p.Met523Thr)

Gene: STT3A (STT3 oligosaccharyltransferase complex catalytic subunit A; plus strand). Cytogenetic location: 11q24.2.
Variant type: single nucleotide variant.
Coding change: c.1568T>C on transcript NM_152713.5 (MANE Select); coding-DNA position 1568, T replaced by C.
Protein change: p.Met523Thr; replaces methionine 523 with threonine.
Molecular consequence: missense variant.
Genome position (GRCh38, 1-based): chr11:125,614,100, T>C. VCF-style: chr11-125614100-T-C. GRCh37 (hg19) VCF-style: chr11-125483995-T-C.
Other names: c.1568T>C, p.Met523Thr (NM_001278503.2); c.1292T>C, p.Met431Thr (NM_001278504.2); short protein forms M431T, M523T.
Identifiers: ClinVar variation 3171689 (VCV003171689.1), dbSNP rs2498182697, ClinGen allele CA383186340.

ClinVar aggregate classification (germline): Uncertain significance (1 of 4 stars; one submission).

Conditions:
Inborn genetic diseases. Identifiers: MedGen C0950123, MeSH D030342.

Submission:

Ambry Genetics
Classification: Uncertain significance for Inborn genetic diseases. Last evaluated: 2024-01-11. Review status: criteria provided, single submitter. Criteria: Ambry Variant Classification Scheme 2023. Collection method: clinical testing. Allele origin: germline.
Comment: The c.1568T>C (p.M523T) alteration is located in exon 14 (coding exon 13) of the STT3A gene. This alteration results from a T to C substitution at nucleotide position 1568, causing the methionine (M) at amino acid position 523 to be replaced by a threonine (T). This variant was not reported in population-based cohorts in the Genome Aggregation Database (gnomAD). This amino acid position is highly conserved in available vertebrate species. This alteration is predicted to be deleterious by in silico analysis. Based on insufficient or conflicting evidence, the clinical significance of this alteration remains unclear.